The following is an entry in ClinVar:

ClinVar aggregate classification (germline): Pathogenic/Likely pathogenic. Review status: criteria provided, multiple submitters, no conflicts (2 of 4 stars). 47 submissions from 44 submitters: Pathogenic (38); Likely pathogenic (1). 8 of the submissions do not count toward it. Last evaluated 2026-08-19.

Conditions:
Breast-ovarian cancer, familial, susceptibility to, 5 (BROVCA5). Identifiers: MedGen C5830615, MONDO:0957530, OMIM 620442.
Fanconi anemia complementation group N. Also called: PALB2-Related Fanconi Anemia. Identifiers: Orphanet 84, MedGen C1835817, MONDO:0012565, OMIM 610832. Disease mechanism: loss of function.
Pancreatic cancer, susceptibility to, 3. Identifiers: Orphanet 1333, MedGen C3150547, MONDO:0013236, OMIM 613348.
Neoplasm. Also called: Neoplasms; Neoplasm (disease); tumor. Identifiers: MedGen C0027651, MeSH D009369, MONDO:0005070, HP:0002664.
Inherited prostate cancer.
Inherited ovarian cancer (without breast cancer).
Inherited breast cancer and ovarian cancer.
PALB2-related disorder. Also called: PALB2-related disorders; PALB2-related condition.
Breast and/or ovarian cancer. Identifiers: MedGen CN221562.
Familial cancer of breast. Also called: hereditary breast carcinoma; BREAST CANCER, FAMILIAL; Hereditary breast cancer. Identifiers: Orphanet 227535, MedGen C0346153, MONDO:0016419, OMIM 114480. Disease mechanism: loss of function.
Colorectal cancer. Also called: Malignant Colorectal Neoplasm; Colorectal cancer, somatic. Identifiers: MedGen C0346629, MONDO:0005575, OMIM 114500.
Hereditary cancer-predisposing syndrome. Also called: Neoplastic Syndromes, Hereditary; Hereditary Cancer Syndrome; Tumor predisposition; Hereditary neoplastic syndrome. Identifiers: Orphanet 140162, MedGen C0027672, MeSH D009386, MONDO:0015356.
Hereditary breast ovarian cancer syndrome. Also called: Hereditary breast and ovarian cancer syndrome; Breast and ovarian cancer; BRCA1- and BRCA2-Associated Hereditary Breast and Ovarian Cancer; Hereditary breast and ovarian cancer; Hereditary breast and ovarian cancer syndrome (HBOC); Hereditary breast and/or ovarian cancer syndrome. Identifiers: Orphanet 145, MedGen C0677776, MeSH D061325, MONDO:0003582. Disease mechanism: loss of function.

Submissions 1 to 11 of 47:

Institute of Human Genetics, Heidelberg University
Classification: Pathogenic for Breast-ovarian cancer, familial, susceptibility to, 5. Last evaluated: 2026-08-19. Review status: criteria provided, single submitter. Criteria: ACMG Guidelines, 2015. Collection method: clinical testing. Allele origin: paternal. Observed: 2 variant alleles.
Comment: PVS1,PM5_supp, PS4

CeGaT Center for Human Genetics Tuebingen
Classification: Pathogenic. Last evaluated: 2026-07-01. Review status: criteria provided, single submitter. Criteria: CeGaT Center For Human Genetics Tuebingen Variant Classification Criteria Version 2. Collection method: clinical testing. Allele origin: germline. Affected: yes. Observed: 6 variant alleles.
Comment: PALB2: PVS1, PS4

PreventionGenetics, part of Exact Sciences
Classification: Pathogenic for PALB2-related condition. Last evaluated: 2026-07-01. Review status: criteria provided, single submitter. Criteria: ACMG Guidelines, 2015. Collection method: clinical testing. Allele origin: germline.
Comment: The PALB2 c.172_175delTTGT variant is predicted to result in a frameshift and premature protein termination (p.Gln60Argfs*7). This variant has been reported as pathogenic in individuals with a history of pancreatic, breast, and ovarian cancer (Jones et al. 2009. PubMed ID: 19264984; Lener et al. 2016. PubMed ID: 27038244; Casadei et al. 2011. PubMed ID: 21285249; Hellebrand et al. 2011. PubMed ID: 21618343; Kraus et al. 2017. PubMed ID: 27616075; Prokofyeva et al. 2012. PubMed ID: 22310028). Of note, this variant is also reported to be a founder variant in individuals of Czech and Polish ancestry (Lener et al. 2016. PubMed ID: 27038244). This variant is reported in 0.0096% of alleles in individuals of Ashkenazi Jewish descent in gnomAD and is interpreted as pathogenic/likely pathogenic in ClinVar (Variation ID: 126623). Frameshift variants in PALB2 are expected to be pathogenic. This variant is interpreted as pathogenic.

Labcorp Genetics (formerly Invitae), Labcorp
Classification: Pathogenic for Familial cancer of breast. Last evaluated: 2026-01-21. Review status: criteria provided, single submitter. Criteria: Invitae Variant Classification Sherloc (09022015). Collection method: clinical testing. Allele origin: germline.
Comment: This sequence change creates a premature translational stop signal (p.Gln60Argfs*7) in the PALB2 gene. It is expected to result in an absent or disrupted protein product. Loss-of-function variants in PALB2 are known to be pathogenic (PMID: 17200668, 17200671, 17200672, 24136930, 25099575). This variant is present in population databases (rs180177143, gnomAD 0.01%). This premature translational stop signal has been observed in individual(s) with pancreatic cancer (PMID: 19264984, 21285249, 21618343, 22310028, 24136930, 25959805, 27038244, 27616075). ClinVar contains an entry for this variant (Variation ID: 126623). For these reasons, this variant has been classified as Pathogenic.

Center for Genomic Medicine, Rigshospitalet, Copenhagen University Hospital
Classification: Pathogenic. Last evaluated: 2025-12-29. Review status: criteria provided, single submitter. Criteria: ACMG Guidelines, 2015. Collection method: clinical testing. Allele origin: germline.
Comment: Classification criteria: PVS1, PS4, PM5

Color Diagnostics, LLC DBA Color Health
Classification: Pathogenic for Hereditary cancer-predisposing syndrome. Last evaluated: 2025-12-08. Review status: criteria provided, single submitter. Criteria: ACMG Guidelines, 2015. Collection method: clinical testing. Allele origin: germline.
Comment: This variant deletes 4 nucleotides in exon 3 of the PALB2 gene, creating a frameshift and premature translation stop signal. This variant is expected to result in an absent or non-functional protein product. This variant has been reported in over 15 individuals affected with breast and/or ovarian cancer (PMID: 21285249, 21618343, 22310028, 24136930, 25099575, 25452441, 26283626, 27616075, 28724667, 29052111), 2 individuals affected with pancreatic cancer (PMID: 19264984, 27038244) and an individual affected with medulloblastoma (PMID: 29753700). This variant also has been reported in a breast cancer case-control study in 40/12529 cases and 10/4702 unaffected individuals (OR = 4.02, 95% CI 1.6 to 16.2) and a breast cancer case-control meta-analysis in 24/60466 cases and 9/53461 unaffected individuals (OR = 2.358, 95%CI 1.096 to 5.074) (PMID: 25959805, 33471991Leiden Open Variation Database DB-ID PALB2_010002). This variant has been identified in 35/1613858 chromosomes in the general population by the Genome Aggregation Database (gnomAD). Loss of PALB2 function is a known mechanism of disease. Based on the available evidence, this variant is classified as Pathogenic.

Institute of Immunology and Genetics Kaiserslautern
Classification: Pathogenic for Breast-ovarian cancer, familial, susceptibility to, 5; Pancreatic cancer, susceptibility to, 3; Fanconi anemia complementation group N. Last evaluated: 2025-11-13. Review status: criteria provided, single submitter. Criteria: ACMG Guidelines, 2015. Collection method: clinical testing. Allele origin: germline.
Comment: ACMG Criteria: PVS1, PS4, PM2, PP5; Variant was found in heterozygous state.

Genetics Laboratory, Great Ormond Street Hospital NHS Foundation Trust, North Thames Genomic Laboratory Hub
Classification: Pathogenic for Inherited prostate cancer. Last evaluated: 2025-11-11. Review status: criteria provided, single submitter. Criteria: CanVIG PALB2 Gene Specific V1.2. Collection method: clinical testing. Allele origin: germline. Affected: yes.
Comment: PVS1_very-strong, PM5_supporting, PM3_moderate

Genetics Laboratory, Great Ormond Street Hospital NHS Foundation Trust, North Thames Genomic Laboratory Hub
Classification: Pathogenic for Inherited ovarian cancer (without breast cancer). Last evaluated: 2025-11-11. Review status: criteria provided, single submitter. Criteria: CanVIG PALB2 Gene Specific V1.2. Collection method: clinical testing. Allele origin: germline. Affected: yes.
Comment: the same text as in the submission from Genetics Laboratory, Great Ormond Street Hospital NHS Foundation Trust, North Thames Genomic Laboratory Hub above.

Quest Diagnostics Nichols Institute San Juan Capistrano
Classification: Pathogenic. Last evaluated: 2025-08-15. Review status: criteria provided, single submitter. Criteria: Quest Diagnostics criteria. Collection method: clinical testing. Allele origin: unknown.
Comment: The PALB2 c.172_175del (p.Gln60Argfs*7) variant alters the translational reading frame of the PALB2 mRNA and causes the premature termination of PALB2 protein synthesis. This variant has been reported in the published literature in individuals with breast and/or ovarian cancer (PMID: 21285249 (2011), 21618343 (2011), 22310028 (2012), 24136930 (2013), 24549055 (2014), 25330149 (2015), 25452441 (2015), 29052111 (2018), 33471991 (2021), see also LOVD), pancreatic cancer (PMID: 19264984 (2009)), prostate cancer (PMID: 31948886 (2020)), medulloblastoma (PMID: 29753700 (2018)), and in reportedly unaffected individuals in a large case-control study (PMID: 33471991 (2021), see also LOVD). The frequency of this variant in the general population (Genome Aggregation Database) is consistent with pathogenicity. Based on the available information, this variant is classified as pathogenic.

Institute of Human Genetics, FAU Erlangen, Friedrich-Alexander-Universität Erlangen-Nürnberg
Classification: Pathogenic. Last evaluated: 2025-07-28. Review status: criteria provided, single submitter. Criteria: Hauer et al. (Genet Med. 2018). Collection method: clinical testing. Allele origin: germline. Inheritance: Unknown mechanism. Affected: yes. Observed: 1 variant allele.
Comment: This variant has been identified by standard clinical testing.

NM_024675.4(PALB2):c.172_175del (p.Gln60fs)

Genes: DCTN5 (dynactin subunit 5; plus strand), PALB2 (partner and localizer of BRCA2; minus strand). Cytogenetic location: 16p12.2.
Variant type: Microsatellite.
Coding change: c.172_175del on transcript NM_024675.4 (MANE Select); coding-DNA positions 172 to 175, 4 bases deleted (TTGT; older notation c.172_175delTTGT).
Protein change: p.Gln60fs; shifts the reading frame from glutamine 60.
Molecular consequence: frameshift variant.
Genome position (GRCh38, 1-based): chr16:23,637,886-23,637,889, ACAA deleted on the plus strand (TTGT on the coding strand, the reverse complement: PALB2 is on the minus strand); deleting any 4 consecutive bases within chr16:23,637,886-23,637,893 gives the same sequence; the c. name uses the placement nearest the transcript's 3' end. VCF-style (leftmost placement, unchanged base first): chr16-23637885-GACAA-G. GRCh37 (hg19) VCF-style: chr16-23649206-GACAA-G.
Other names: c.172_175delTTGT (NM_024675.3, NM_024675.4); short protein forms Q60fs.
Identifiers: ClinVar variation 126623 (VCV000126623.122), dbSNP rs180177143, ClinGen allele CA151229.